The following is an entry in ClinVar:

NM_021175.4(HAMP):c.216C>A (p.Cys72Ter)

Gene: HAMP (hepcidin antimicrobial peptide; plus strand). Cytogenetic location: 19q13.12.
Variant type: single nucleotide variant.
Coding change: c.216C>A on transcript NM_021175.4 (MANE Select); coding-DNA position 216, C replaced by A.
Protein change: p.Cys72Ter; replaces cysteine 72 with a stop codon.
Molecular consequence: nonsense.
Genome position (GRCh38, 1-based): chr19:35,285,003, C>A. VCF-style: chr19-35285003-C-A. GRCh37 (hg19) VCF-style: chr19-35775906-C-A.
Other names: short protein forms C72*.
Identifiers: ClinVar variation 188077 (VCV000188077.9), dbSNP rs763369315, ClinGen allele CA333985.

ClinVar aggregate classification (germline): Uncertain significance (1 of 4 stars; one submission).

Conditions:
Hereditary hemochromatosis (HFE). Identifiers: MedGen C0392514, MONDO:0006507. Disease mechanism: loss of function.

Submission:

Labcorp Genetics (formerly Invitae), Labcorp
Classification: Uncertain significance for Hereditary hemochromatosis. Last evaluated: 2021-04-21. Review status: criteria provided, single submitter. Criteria: Invitae Variant Classification Sherloc (09022015). Collection method: clinical testing. Allele origin: germline.
Comment: In summary, the available evidence is currently insufficient to determine the role of this variant in disease. Therefore, it has been classified as a Variant of Uncertain Significance. Experimental studies and prediction algorithms are not available or were not evaluated, and the functional significance of this variant is currently unknown. This variant has not been reported in the literature in individuals with HAMP-related conditions. ClinVar contains an entry for this variant (Variation ID: 188077). This variant is not present in population databases (ExAC no frequency). This sequence change creates a premature translational stop signal (p.Cys72*) in the HAMP gene. While this is not anticipated to result in nonsense mediated decay, it is expected to disrupt the last 13 amino acid(s) of the HAMP protein.